The following is an entry in ClinVar:

NM_014877.4(HELZ):c.1881A>G (p.Pro627=)

Gene: HELZ (helicase with zinc finger; minus strand). Cytogenetic location: 17q24.2.
Variant type: single nucleotide variant.
Coding change: c.1881A>G on transcript NM_014877.4 (MANE Select); coding-DNA position 1881, A replaced by G.
Protein change: p.Pro627=; no amino-acid change (proline 627 retained).
Molecular consequence: synonymous variant.
Genome position (GRCh38, 1-based): chr17:67,166,492, T>C on the plus strand (A>G on the coding strand, the complement: HELZ is on the minus strand). VCF-style: chr17-67166492-T-C. GRCh37 (hg19) VCF-style: chr17-65162608-T-C.
Other names: c.1881A>G, p.Pro627= (NM_001330447.2).
Identifiers: ClinVar variation 2648115 (VCV002648115.24), dbSNP rs117249393, ClinGen allele CA8723128.

ClinVar aggregate classification (germline): Likely benign (1 of 4 stars; one submission).

Allele frequency attached by ClinVar (database versions not stated): 1000 Genomes Project 30x 0.00219; 1000 Genomes Project 0.00260; TOPMed 0.00376; gnomAD 0.00435; ExAC 0.00465; gnomAD exomes 0.00598; ESP Exome Variant Server 0.00620.
gnomAD v4.1: 9,399 of 1,612,748 alleles (0.58%); highest among the groups gnomAD compares: Non-Finnish European, 0.63%; 36 homozygotes.

Submission:

CeGaT Center for Human Genetics Tuebingen
Classification: Likely benign. Last evaluated: 2022-09-01. Review status: criteria provided, single submitter. Criteria: CeGaT Center For Human Genetics Tuebingen Variant Classification Criteria Version 2. Collection method: clinical testing. Allele origin: germline. Affected: yes. Observed: 1 variant allele.
Comment: HELZ: BP4, BP7